The following is an entry in ClinVar:

NC_000007.14:g.156769418A>G

Genes: LMBR1 (limb development membrane protein 1; minus strand), SHH (sonic hedgehog signaling molecule; minus strand). Cytogenetic location: 7q36.3.
Variant type: single nucleotide variant.
Molecular consequence: intron variant (on NM_022458.4).
Genome position: GRCh38 VCF-style: chr7-156769418-A-G. GRCh37 (hg19) VCF-style: chr7-156562112-A-G.
Other names: c.361-5623T>C (NM_001363412.2); c.145-5623T>C (NM_001350954.2); c.424-5623T>C (NM_001363410.2, NM_022458.4, NM_001363409.2 and 1 more transcripts); c.-33-5623T>C (NM_001350958.2, NM_001350956.2, NM_001350955.2 and 1 more transcripts); c.55-5623T>C (NM_001350957.2, NM_001363411.2).
Identifiers: ClinVar variation 2841609 (VCV002841609.3), dbSNP rs2535839448, ClinGen allele CA2739278913.

ClinVar aggregate classification (germline): Uncertain significance (1 of 4 stars; one submission).

Conditions:
Holoprosencephaly 3 (HPE3). Identifiers: Orphanet 2162, MedGen C1840529, MONDO:0007733, OMIM 142945.

Submission:

Labcorp Genetics (formerly Invitae), Labcorp
Classification: Uncertain significance for Holoprosencephaly 3. Last evaluated: 2023-10-03. Review status: criteria provided, single submitter. Criteria: Invitae Variant Classification Sherloc (09022015). Collection method: clinical testing. Allele origin: germline.
Comment: This variant occurs in a non-coding region of the SHH gene. It does not change the encoded amino acid sequence of the SHH protein. This variant is not present in population databases (gnomAD no frequency). This variant has not been reported in the literature in individuals affected with SHH-related conditions. Experimental studies and prediction algorithms are not available or were not evaluated, and the functional significance of this variant is currently unknown. In summary, the available evidence is currently insufficient to determine the role of this variant in disease. Therefore, it has been classified as a Variant of Uncertain Significance.